The following is an entry in ClinVar:

ClinVar aggregate classification (germline): Uncertain significance. Review status: criteria provided, multiple submitters, no conflicts (2 of 4 stars). 3 submissions from 3 submitters: Uncertain significance (3). Last evaluated 2025-12-08.

Conditions:
Familial thoracic aortic aneurysm and aortic dissection (TAAD). Also called: Thoracic aortic aneurysms and dissections. Identifiers: Orphanet 91387, MedGen C4707243, MONDO:0019625.
Aortic aneurysm, familial thoracic 7 (AAT7). Also called: AORTIC DISSECTION, FAMILIAL, WITH OR WITHOUT AORTIC ANEURYSM. Identifiers: MedGen C3151077, MONDO:0013418, OMIM 613780.

Allele frequency attached by ClinVar (database versions not stated): ExAC 0.00002; gnomAD exomes 0.00003; TOPMed 0.00003.
gnomAD v4.1: 11 of 1,614,058 alleles (0.00068%); highest among the groups gnomAD compares: Admixed American, 0.01%; no homozygotes.

Submissions (3):

Labcorp Genetics (formerly Invitae), Labcorp
Classification: Uncertain significance for Aortic aneurysm, familial thoracic 7. Last evaluated: 2025-12-08. Review status: criteria provided, single submitter. Criteria: Invitae Variant Classification Sherloc (09022015). Collection method: clinical testing. Allele origin: germline.
Comment: This sequence change replaces histidine, which is basic and polar, with aspartic acid, which is acidic and polar, at codon 1304 of the MYLK protein (p.His1304Asp). This variant is present in population databases (rs758161864, gnomAD 0.02%). This variant has not been reported in the literature in individuals affected with MYLK-related conditions. ClinVar contains an entry for this variant (Variation ID: 1430367). Invitae Evidence Modeling of protein sequence and biophysical properties (such as structural, functional, and spatial information, amino acid conservation, physicochemical variation, residue mobility, and thermodynamic stability) indicates that this missense variant is not expected to disrupt MYLK protein function with a negative predictive value of 80%. In summary, the available evidence is currently insufficient to determine the role of this variant in disease. Therefore, it has been classified as a Variant of Uncertain Significance.

GeneDx
Classification: Uncertain significance. Last evaluated: 2023-02-28. Review status: criteria provided, single submitter. Criteria: GeneDx Variant Classification Process June 2021. Collection method: clinical testing. Allele origin: germline. Affected: yes.
Comment: Has not been previously published as pathogenic or benign to our knowledge; In silico analysis supports that this missense variant has a deleterious effect on protein structure/function

Ambry Genetics
Classification: Uncertain significance for Familial thoracic aortic aneurysm and aortic dissection. Last evaluated: 2021-08-31. Review status: criteria provided, single submitter. Criteria: Ambry Variant Classification Scheme 2023. Collection method: clinical testing. Allele origin: germline.
Comment: The p.H1304D variant (also known as c.3910C>G), located in coding exon 20 of the MYLK gene, results from a C to G substitution at nucleotide position 3910. The histidine at codon 1304 is replaced by aspartic acid, an amino acid with similar properties. This amino acid position is conserved. In addition, the in silico prediction for this alteration is inconclusive. Since supporting evidence is limited at this time, the clinical significance of this alteration remains unclear.

NM_053025.4(MYLK):c.3910C>G (p.His1304Asp)

Gene: MYLK (myosin light chain kinase; minus strand). Cytogenetic location: 3q21.1.
Variant type: single nucleotide variant.
Coding change: c.3910C>G on transcript NM_053025.4 (MANE Select); coding-DNA position 3910, C replaced by G.
Protein change: p.His1304Asp; replaces histidine 1304 with aspartic acid.
Molecular consequence: missense variant.
Genome position (GRCh38, 1-based): chr3:123,664,180, G>C on the plus strand (C>G on the coding strand, the complement: MYLK is on the minus strand). VCF-style: chr3-123664180-G-C. GRCh37 (hg19) VCF-style: chr3-123383027-G-C.
Other names: c.3382C>G, p.His1128Asp (NM_001321309.2); c.3703C>G, p.His1235Asp (NM_053026.4, NM_053028.4); c.3910C>G, p.His1304Asp (NM_053027.4); short protein forms H1235D, H1128D, H1304D.
Identifiers: ClinVar variation 1430367 (VCV001430367.12), dbSNP rs758161864, ClinGen allele CA070458.